The following is an entry in ClinVar:

NM_007363.5(NONO):c.-10+648C>G

Gene: NONO (non-POU domain containing octamer binding; plus strand). Cytogenetic location: Xq13.1.
Variant type: single nucleotide variant.
Coding change: c.-10+648C>G on transcript NM_007363.5 (MANE Select); 648 bases into the intron after 10 bases upstream of the start codon, C replaced by G.
Molecular consequence: intron variant.
Genome position (GRCh38, 1-based): chrX:71,285,101, C>G. VCF-style: chrX-71285101-C-G. GRCh37 (hg19) VCF-style: chrX-70504951-C-G.
Other names: c.-10+4C>G (NM_001145408.2); c.-10+1380C>G (NM_001145409.2); c.-114+1380C>G (NM_001145410.2).
Identifiers: ClinVar variation 4537648 (VCV004537648.1).
Genomic context (GRCh38, chrX:71,285,101, plus strand): 5'-TTCCAAATTATATTGGTGGTCATCAGAAGTAGGTGATAGGAAGAAATACTTCTCAAGGTA[C>G]TTGCTACTTGGTGGGCACTGTTATAGGTGCTTTATTATGATAGTCTTCACTAGTGCATTC-3'

ClinVar aggregate classification (germline): Uncertain significance (1 of 4 stars; one submission).

gnomAD v4.1: 4 of 112,200 alleles (0.0036%); highest among the groups gnomAD compares: Non-Finnish European, 0.0056%; no homozygotes.

Submission:

GeneDx
Classification: Uncertain significance. Last evaluated: 2025-06-13. Review status: criteria provided, single submitter. Criteria: GeneDx Variant Classification Process June 2021. Collection method: clinical testing. Allele origin: germline. Affected: yes.
Comment: Has not been previously published as pathogenic or benign to our knowledge; In silico analysis is inconclusive as to whether the variant alters gene splicing. In the absence of RNA/functional studies, the actual effect of this sequence change is unknown.